The following is an entry in ClinVar:

NM_014014.5(SNRNP200):c.2950C>A (p.Leu984Met)

Gene: SNRNP200 (small nuclear ribonucleoprotein U5 subunit 200; minus strand). Cytogenetic location: 2q11.2.
Variant type: single nucleotide variant.
Coding change: c.2950C>A on transcript NM_014014.5 (MANE Select); coding-DNA position 2950, C replaced by A.
Protein change: p.Leu984Met; replaces leucine 984 with methionine.
Molecular consequence: missense variant.
Genome position (GRCh38, 1-based): chr2:96,289,370, G>T on the plus strand (C>A on the coding strand, the complement: SNRNP200 is on the minus strand). VCF-style: chr2-96289370-G-T. GRCh37 (hg19) VCF-style: chr2-96955108-G-T.
Other names: short protein forms L984M.
Identifiers: ClinVar variation 1714750 (VCV001714750.5), dbSNP rs769208303, ClinGen allele CA347674494.

ClinVar aggregate classification (germline): Uncertain significance (1 of 4 stars; one submission).

gnomAD v4.1: 5 of 1,613,998 alleles (0.00031%); highest among the groups gnomAD compares: Middle Eastern, 0.067%; no homozygotes.

Submission:

Labcorp Genetics (formerly Invitae), Labcorp
Classification: Uncertain significance. Last evaluated: 2022-12-30. Review status: criteria provided, single submitter. Criteria: Invitae Variant Classification Sherloc (09022015). Collection method: clinical testing. Allele origin: germline.
Comment: In summary, the available evidence is currently insufficient to determine the role of this variant in disease. Therefore, it has been classified as a Variant of Uncertain Significance. Advanced modeling of protein sequence and biophysical properties (such as structural, functional, and spatial information, amino acid conservation, physicochemical variation, residue mobility, and thermodynamic stability) performed at Invitae indicates that this missense variant is expected to disrupt SNRNP200 protein function. ClinVar contains an entry for this variant (Variation ID: 1714750). This variant has not been reported in the literature in individuals affected with SNRNP200-related conditions. This variant is present in population databases (no rsID available, gnomAD 0.003%). This sequence change replaces leucine, which is neutral and non-polar, with methionine, which is neutral and non-polar, at codon 984 of the SNRNP200 protein (p.Leu984Met).